The following is an entry in ClinVar:

ClinVar aggregate classification (germline): Likely pathogenic. Review status: criteria provided, single submitter (1 of 4 stars). 2 submissions from 2 submitters: Likely pathogenic (1). 1 of the submissions does not count toward it. Last evaluated 2024-12-30.

Conditions:
Laron syndrome with undetectable serum GH-binding protein. Identifiers: MedGen C4016706.
Growth hormone insensitivity syndrome. Identifiers: Orphanet 181393, MedGen C4318479, MONDO:0015892.

Allele frequency attached by ClinVar (database versions not stated): gnomAD exomes below 0.00001; TOPMed below 0.00001; gnomAD 0.00001; 1000 Genomes Project 30x 0.00016; 1000 Genomes Project 0.00020.
gnomAD v4.1: 2 of 1,605,642 alleles (0.00012%); highest among the groups gnomAD compares: East Asian, 0.0022%; no homozygotes.

Submissions (2):

Women's Health and Genetics/Laboratory Corporation of America, LabCorp
Classification: Likely pathogenic for Growth hormone insensitivity syndrome. Last evaluated: 2024-12-30. Review status: criteria provided, single submitter. Criteria: LabCorp Variant Classification Summary - May 2015. Collection method: clinical testing. Allele origin: germline.
Comment: Variant summary: GHR c.446C>A (p.Pro149Gln) results in a non-conservative amino acid change in the encoded protein sequence. Five of five in-silico tools predict a damaging effect of the variant on protein function. The variant allele was found at a frequency of 4e-06 in 251062 control chromosomes (gnomAD). c.446C>A has been reported in the literature in a homozygous individual affected with Laron syndrome (Walker_1998). These data indicate that the variant may be associated with disease. At least one publication reports experimental evidence evaluating an impact on protein function, finding that the variant resulted in a loss of GHR binding (Walker_1998). The following publication has been ascertained in the context of this evaluation (PMID: 9661642). ClinVar contains an entry for this variant (Variation ID: 8651). Based on the evidence outlined above, the variant was classified as likely pathogenic.

OMIM
Classification: Pathogenic for LARON SYNDROME WITH UNDETECTABLE SERUM GH-BINDING PROTEIN. Last evaluated: 1998-07-01. Review status: no assertion criteria provided. Collection method: literature only. Allele origin: germline. Not counted in ClinVar's aggregate classification.

Literature cited by the submitters: PubMed 9661642 (cited by Women's Health and Genetics/Laboratory Corporation of America, LabCorp and OMIM).

NM_000163.5(GHR):c.446C>A (p.Pro149Gln)

Gene: GHR (growth hormone receptor; plus strand). Cytogenetic location: 5p12.
Variant type: single nucleotide variant.
Coding change: c.446C>A on transcript NM_000163.5 (MANE Select); coding-DNA position 446, C replaced by A.
Protein change: p.Pro149Gln; replaces proline 149 with glutamine.
Molecular consequence: missense variant.
Genome position (GRCh38, 1-based): chr5:42,699,830, C>A. VCF-style: chr5-42699830-C-A. GRCh37 (hg19) VCF-style: chr5-42699932-C-A.
Other names: P131Q; c.467C>A, p.Pro156Gln (NM_001242399.2); c.446C>A, p.Pro149Gln (NM_001242400.2, NM_001242401.4, NM_001242402.2 and 5 more transcripts); c.380C>A, p.Pro127Gln (NM_001242460.2); short protein forms P149Q, P127Q, P156Q.
Identifiers: ClinVar variation 8651 (VCV000008651.2), dbSNP rs121909365, ClinGen allele CA119808.
Genomic context (GRCh38, chr5:42,699,830, plus strand): 5'-CATTAATATTAAATTGTGTCTGTCTGTGTACTAATGCTCTGTTGAATTGCACAGTGCAAC[C>A]AGATCCACCCATTGCCCTCAACTGGACTTTACTGAACGTCAGTTTAACTGGGATTCATGC-3'
Protein context (NP_000154.1, residues 139-159): KCFSVDEIVQ[Pro149Gln]DPPIALNWTL